The following is an entry in ClinVar:

NM_017739.4(POMGNT1):c.1864del (p.Phe621_Leu622insTer)

Genes: POMGNT1 (protein O-linked mannose N-acetylglucosaminyltransferase 1 (beta 1,2-); minus strand), TSPAN1 (tetraspanin 1; plus strand). Cytogenetic location: 1p34.1.
Variant type: Deletion.
Coding change: c.1864del on transcript NM_017739.4 (MANE Select); coding-DNA position 1864, one base deleted (C; older notation c.1864delC).
Protein change: p.Phe621_Leu622insTer.
Molecular consequence: nonsense. On other transcripts: frameshift variant (1).
Genome position (GRCh38, 1-based): chr1:46,189,489, G deleted on the plus strand (C on the coding strand, the reverse complement: POMGNT1 is on the minus strand); the first of 2 consecutive G bases (chr1:46,189,489-46,189,490); deleting either gives the same sequence. VCF-style (leftmost placement, unchanged base first): chr1-46189488-AG-A. GRCh37 (hg19) VCF-style: chr1-46655160-AG-A.
Other names: c.1864delC (NM_017739.3); c.1864del, p.Phe621_Leu622insTer (NM_001243766.2, NM_001410783.1); c.1797delC, p.Leu600Terfs (NM_001290129.3); c.1435del, p.Phe478_Leu479insTer (NM_001290130.2).
Identifiers: ClinVar variation 56590 (VCV000056590.2), dbSNP rs386834021, ClinGen allele CA263961.

ClinVar aggregate classification (germline): Likely pathogenic (0 of 4 stars; one submission).

Conditions:
Muscle eye brain disease (MEB). Also called: Santavuori congenital muscular dystrophy. Identifiers: Orphanet 588, Orphanet 899, MedGen C0457133, MONDO:0018939.

Submission:

Juha Muilu Group; Institute for Molecular Medicine Finland (FIMM)
Classification: Likely pathogenic for Muscle eye brain disease. Review status: no assertion criteria provided. Collection method: not provided. Allele origin: unknown.
Comment: FinDis database variant: This variant was not found or characterized by our laboratory, data were collected from public sources: see reference
ClinVar note: Converted during submission from probable-pathogenic to Likely pathogenic.